The following is an entry in ClinVar:

ClinVar aggregate classification (germline): Likely benign. Review status: criteria provided, multiple submitters, no conflicts (2 of 4 stars). 3 submissions from 3 submitters: Likely benign (3). Last evaluated 2025-12-22.

Conditions:
Carney-Stratakis syndrome. Also called: PARAGANGLIOMA AND GASTROINTESTINAL STROMAL TUMOR. Identifiers: Orphanet 97286, MedGen C1847319, MONDO:0011740, OMIM 606864.
Cowden syndrome 3 (CWS3). Identifiers: Orphanet 201, MedGen CN166604, MONDO:0014045.
Pheochromocytoma. Also called: MAX-Related Hereditary Paraganglioma-Pheochromocytoma Syndrome. Identifiers: Orphanet 29072, MedGen C0031511, MONDO:0008233, OMIM 171300, HP:0002666.
Paragangliomas with sensorineural hearing loss. Identifiers: MedGen C1868633.
Pheochromocytoma/paraganglioma syndrome 1. Also called: Paragangliomas 1; Glomus tumors familial 1; PARAGANGLIOMAS, FAMILIAL NONCHROMAFFIN, 1; Paraganglioma - glomus jugulare; SDHD-Related Hereditary Paraganglioma-Pheochromocytoma Syndrome; PGL 1. Identifiers: Orphanet 29072, MedGen C3494181, MONDO:0008192, OMIM 168000.

Allele frequency attached by ClinVar (database versions not stated): gnomAD exomes 0.00001; ExAC 0.00002.
gnomAD v4.1: 6 of 1,614,134 alleles (0.00037%); highest among the groups gnomAD compares: Admixed American, 0.0017%; no homozygotes.

Submissions (3):

Labcorp Genetics (formerly Invitae), Labcorp
Classification: Likely benign for Carney-Stratakis syndrome; Paragangliomas with sensorineural hearing loss; Pheochromocytoma; Cowden syndrome 3. Last evaluated: 2025-12-22. Review status: criteria provided, single submitter. Criteria: Invitae Variant Classification Sherloc (09022015). Collection method: clinical testing. Allele origin: germline.

Myriad Genetics, Inc.
Classification: Likely benign for Pheochromocytoma/paraganglioma syndrome 1. Last evaluated: 2025-03-17. Review status: criteria provided, single submitter. Criteria: Myriad Autosomal Dominant, Autosomal Recessive and X-Linked Classification Criteria (2023). Collection method: clinical testing. Allele origin: unknown.
Comment: This variant is considered likely benign. This variant is intronic and is not expected to impact mRNA splicing.

Quest Diagnostics Nichols Institute San Juan Capistrano
Classification: Likely benign. Last evaluated: 2018-05-01. Review status: criteria provided, single submitter. Criteria: Quest Diagnostics criteria. Collection method: clinical testing. Allele origin: germline.

NM_003002.4(SDHD):c.314+8T>C

Gene: SDHD (succinate dehydrogenase complex subunit D; plus strand). Cytogenetic location: 11q23.1.
Variant type: single nucleotide variant.
Coding change: c.314+8T>C on transcript NM_003002.4 (MANE Select); 8 bases into the intron after coding-DNA position 314, T replaced by C.
Molecular consequence: intron variant.
Genome position (GRCh38, 1-based): chr11:112,089,019, T>C. VCF-style: chr11-112089019-T-C. GRCh37 (hg19) VCF-style: chr11-111959743-T-C.
Other names: c.314+8T>C (NM_001276506.2); c.169+1046T>C (NM_001276503.2); c.197+8T>C (NM_001276504.2).
Identifiers: ClinVar variation 417309 (VCV000417309.54), dbSNP rs199645781, ClinGen allele CA071091.